The following is an entry in ClinVar:

ClinVar aggregate classification (germline): Uncertain significance (1 of 4 stars; one submission).

gnomAD v4.1: 20 of 1,614,208 alleles (0.0012%); highest among the groups gnomAD compares: South Asian, 0.019%; no homozygotes.

Submission:

Labcorp Genetics (formerly Invitae), Labcorp
Classification: Uncertain significance. Last evaluated: 2025-10-08. Review status: criteria provided, single submitter. Criteria: Invitae Variant Classification Sherloc (09022015). Collection method: clinical testing. Allele origin: germline.
Comment: This sequence change replaces leucine, which is neutral and non-polar, with phenylalanine, which is neutral and non-polar, at codon 702 of the COPB2 protein (p.Leu702Phe). This variant is present in population databases (rs776037503, gnomAD 0.01%). This variant has not been reported in the literature in individuals affected with COPB2-related conditions. An algorithm developed to predict the effect of missense changes on protein structure and function (PolyPhen-2) suggests that this variant is likely to be disruptive. In summary, the available evidence is currently insufficient to determine the role of this variant in disease. Therefore, it has been classified as a Variant of Uncertain Significance.

NM_004766.3(COPB2):c.2106G>T (p.Leu702Phe)

Gene: COPB2 (coat protein complex I subunit beta 2; minus strand). Cytogenetic location: 3q23.
Variant type: single nucleotide variant.
Coding change: c.2106G>T on transcript NM_004766.3 (MANE Select); coding-DNA position 2106, G replaced by T.
Protein change: p.Leu702Phe; replaces leucine 702 with phenylalanine.
Molecular consequence: missense variant. On other transcripts: non-coding transcript variant (1).
Genome position (GRCh38, 1-based): chr3:139,361,185, C>A on the plus strand (G>T on the coding strand, the complement: COPB2 is on the minus strand). VCF-style: chr3-139361185-C-A. GRCh37 (hg19) VCF-style: chr3-139080027-C-A.
Other names: c.2019G>T, p.Leu673Phe (NM_001410834.1); short protein forms L702F, L673F.
Identifiers: ClinVar variation 4779978 (VCV004779978.1).
Genomic context (GRCh38, chr3:139,361,185, plus strand): 5'-ATCTCTCTCCGCACCCTCTGCTAGCTTGTTCACCATATTAGCATTTCCAGAGGCAGTGGC[C>A]AAAAGCAGCAGGCCCCCATAATCCTGTGCATGATGCAGGCACTCCTGGGCTAGGCCAAAC-3'
Protein context (NP_004757.1, residues 692-712): HAQDYGGLLL[Leu702Phe]ATASGNANMV